The following is an entry in ClinVar:

NM_004484.4(GPC3):c.1336_1341del (p.Asn446_Leu447del)

Gene: GPC3 (glypican 3; minus strand). Cytogenetic location: Xq26.2.
Variant type: Deletion.
Coding change: c.1336_1341del on transcript NM_004484.4 (MANE Select); coding-DNA positions 1336 to 1341, 6 bases deleted (AATCTC; older notation c.1336_1341delAATCTC).
Protein change: p.Asn446_Leu447del.
Molecular consequence: inframe deletion.
Genome position (GRCh38, 1-based): chrX:133,661,802-133,661,807, GAGATT deleted on the plus strand (AATCTC on the coding strand, the reverse complement: GPC3 is on the minus strand); deleting any 6 consecutive bases within chrX:133,661,802-133,661,809 gives the same sequence; the c. name uses the placement nearest the transcript's 3' end. VCF-style (leftmost placement, unchanged base first): chrX-133661801-GGAGATT-G. GRCh37 (hg19) VCF-style: chrX-132795829-GGAGATT-G.
Other names: c.1405_1410del, p.Asn469_Leu470del (NM_001164617.2); c.1288_1293del, p.Asn430_Leu431del (NM_001164618.2); c.1174_1179del, p.Asn392_Leu393del (NM_001164619.2).
Identifiers: ClinVar variation 2020067 (VCV002020067.4), dbSNP rs2521016177, ClinGen allele CA2580101533.
Genomic context (GRCh38, chrX:133,661,801, plus strand): 5'-GCTTCAGTTTGTCAATAATTTGACTGACCACTGGCTCAGGGCCCTTCATTTTCAGCTCAT[GGAGATT>G]GAACTGGTTTTTCATTCCATTCCTTGCTGCCTTTTGGCTGTATCTGTAAAGGTGAAGGTA-3'

ClinVar aggregate classification (germline): Uncertain significance (1 of 4 stars; one submission).

Conditions:
Wilms tumor 1 (WT1). Also called: Wilms tumor, somatic. Identifiers: Orphanet 654, MedGen CN033288, MONDO:0008679, OMIM 194070.

Submission:

Labcorp Genetics (formerly Invitae), Labcorp
Classification: Uncertain significance for Wilms tumor 1. Last evaluated: 2022-07-29. Review status: criteria provided, single submitter. Criteria: Invitae Variant Classification Sherloc (09022015). Collection method: clinical testing. Allele origin: germline.
Comment: Experimental studies and prediction algorithms are not available or were not evaluated, and the functional significance of this variant is currently unknown. In summary, the available evidence is currently insufficient to determine the role of this variant in disease. Therefore, it has been classified as a Variant of Uncertain Significance. This variant, c.1336_1341del, results in the deletion of 2 amino acid(s) of the GPC3 protein (p.Asn446_Leu447del), but otherwise preserves the integrity of the reading frame. This variant is not present in population databases (gnomAD no frequency). This variant has not been reported in the literature in individuals affected with GPC3-related conditions.